The following is an entry in ClinVar:

NM_015978.3(TNNI3K):c.2352-9A>G

Genes: FPGT-TNNI3K (FPGT-TNNI3K readthrough; plus strand), TNNI3K (TNNI3 interacting kinase; plus strand). Cytogenetic location: 1p31.1.
Variant type: single nucleotide variant.
Coding change: c.2352-9A>G on transcript NM_015978.3 (MANE Select); 9 bases into the intron before coding-DNA position 2352, A replaced by G.
Molecular consequence: intron variant.
Genome position (GRCh38, 1-based): chr1:74,540,225, A>G. VCF-style: chr1-74540225-A-G. GRCh37 (hg19) VCF-style: chr1-75005909-A-G.
Other names: c.2655-9A>G (NM_001112808.3); c.2352-9A>G (NM_015978.2).
Identifiers: ClinVar variation 1465390 (VCV001465390.7), dbSNP rs369803957, ClinGen allele CA909873.

ClinVar aggregate classification (germline): Uncertain significance. Review status: criteria provided, single submitter (1 of 4 stars). 2 submissions from 2 submitters: Uncertain significance (1). 1 of the submissions does not count toward it. Last evaluated 2026-01-29.

Conditions:
TNNI3K-related disorder. Also called: TNNI3K-related condition.

Allele frequency attached by ClinVar (database versions not stated): gnomAD 0.00003; TOPMed 0.00005; ESP Exome Variant Server 0.00015.
gnomAD v4.1: 9 of 1,610,068 alleles (0.00056%); highest among the groups gnomAD compares: African/African-American, 0.012%; no homozygotes.

Submissions (2):

Labcorp Genetics (formerly Invitae), Labcorp
Classification: Uncertain significance. Last evaluated: 2026-01-29. Review status: criteria provided, single submitter. Criteria: Invitae Variant Classification Sherloc (09022015). Collection method: clinical testing. Allele origin: germline.
Comment: This sequence change falls in intron 23 of the TNNI3K gene. It does not directly change the encoded amino acid sequence of the TNNI3K protein. This variant is present in population databases (rs369803957, gnomAD 0.02%). This variant has not been reported in the literature in individuals affected with TNNI3K-related conditions. ClinVar contains an entry for this variant (Variation ID: 1465390). Algorithms developed to predict the effect of sequence changes on RNA splicing suggest that this variant may disrupt the consensus splice site. In summary, the available evidence is currently insufficient to determine the role of this variant in disease. Therefore, it has been classified as a Variant of Uncertain Significance.

PreventionGenetics, part of Exact Sciences
Classification: Uncertain significance for TNNI3K-related condition. Last evaluated: 2024-04-29. Review status: no assertion criteria provided. Collection method: clinical testing. Allele origin: germline. Not counted in ClinVar's aggregate classification.
Comment: The TNNI3K c.2352-9A>G variant is predicted to interfere with splicing. To our knowledge, this variant has not been reported in the literature. This variant is reported in 0.019% of alleles in individuals of African descent in gnomAD. At this time, the clinical significance of this variant is uncertain due to the absence of conclusive functional and genetic evidence.